The following is an entry in ClinVar:

ClinVar aggregate classification (germline): Uncertain significance (1 of 4 stars; one submission).

Conditions:
Deafness-lymphedema-leukemia syndrome. Also called: Lymphedema, primary, with myelodysplasia; Emberger syndrome. Identifiers: Orphanet 3226, MedGen C3279664, MONDO:0013540, OMIM 614038.
Monocytopenia with susceptibility to infections. Also called: MONOCYTOPENIA AND MYCOBACTERIAL INFECTION SYNDROME; MONOCYTOPENIA WITH SUSCEPTIBILITY TO MYCOBACTERIAL, FUNGAL, AND PAPILLOMAVIRUS INFECTIONS AND MYELODYSPLASIA; COMBINED IMMUNODEFICIENCY WITH SUSCEPTIBILITY TO MYCOBACTERIAL, VIRAL, AND FUNGAL INFECTIONS; Dendritic cell, monocyte, B lymphocyte, and natural killer lymphocyte deficiency; IMMUNODEFICIENCY 21; GATA2 DEFICIENCY. Identifiers: Orphanet 228423, MedGen C3280030, MONDO:0013607, OMIM 614172.

Submission:

Labcorp Genetics (formerly Invitae), Labcorp
Classification: Uncertain significance for Monocytopenia with susceptibility to infections; Deafness-lymphedema-leukemia syndrome. Last evaluated: 2022-09-25. Review status: criteria provided, single submitter. Criteria: Invitae Variant Classification Sherloc (09022015). Collection method: clinical testing. Allele origin: germline.
Comment: In summary, the available evidence is currently insufficient to determine the role of this variant in disease. Therefore, it has been classified as a Variant of Uncertain Significance. This sequence change replaces proline, which is neutral and non-polar, with leucine, which is neutral and non-polar, at codon 193 of the GATA2 protein (p.Pro193Leu). This variant is not present in population databases (gnomAD no frequency). This variant has not been reported in the literature in individuals affected with GATA2-related conditions. Advanced modeling of protein sequence and biophysical properties (such as structural, functional, and spatial information, amino acid conservation, physicochemical variation, residue mobility, and thermodynamic stability) has been performed at Invitae for this missense variant, however the output from this modeling did not meet the statistical confidence thresholds required to predict the impact of this variant on GATA2 protein function.

NM_032638.5(GATA2):c.578C>T (p.Pro193Leu)

Gene: GATA2 (GATA binding protein 2; minus strand). Cytogenetic location: 3q21.3.
Variant type: single nucleotide variant.
Coding change: c.578C>T on transcript NM_032638.5 (MANE Select); coding-DNA position 578, C replaced by T.
Protein change: p.Pro193Leu; replaces proline 193 with leucine.
Molecular consequence: missense variant.
Genome position (GRCh38, 1-based): chr3:128,486,020, G>A on the plus strand (C>T on the coding strand, the complement: GATA2 is on the minus strand). VCF-style: chr3-128486020-G-A. GRCh37 (hg19) VCF-style: chr3-128204863-G-A.
Other names: c.578C>T, p.Pro193Leu (NM_001145661.2, NM_001145662.1); short protein forms P193L.
Identifiers: ClinVar variation 2058107 (VCV002058107.4), dbSNP rs2472930830, ClinGen allele CA354406480.